The following is an entry in ClinVar:

ClinVar aggregate classification (germline): Benign/Likely benign. Review status: criteria provided, multiple submitters, no conflicts (2 of 4 stars). 5 submissions from 5 submitters: Benign (2); Likely benign (2). 1 of the submissions does not count toward it. Last evaluated 2026-09-01.

Conditions:
SPG11-related disorder. Also called: SPG11-related condition.
Inborn genetic diseases. Identifiers: MedGen C0950123, MeSH D030342.
Hereditary spastic paraplegia 11. Also called: Spastic paraplegia, mental retardation and thin corpus callosum; Spastic Paraplegia 11; Nakamura Osame syndrome; Autosomal recessive hereditary spastic paraplegia, mental impairment, and thin corpus callosum; SPASTIC PARAPLEGIA, AUTOSOMAL RECESSIVE, COMPLICATED, WITH THIN CORPUS CALLOSUM; SPASTIC PARAPLEGIA, AUTOSOMAL RECESSIVE, WITH MENTAL IMPAIRMENT AND THIN CORPUS CALLOSUM. Identifiers: Orphanet 2822, MedGen C1858479, MONDO:0011445, OMIM 604360.

Allele frequency attached by ClinVar (database versions not stated): gnomAD 0.00010 and 0.00011; gnomAD exomes 0.00021 and 0.00049; ExAC 0.00032; TOPMed 0.00039; 1000 Genomes Project 0.00060; 1000 Genomes Project 30x 0.00078.
gnomAD v4.1: 148 of 1,614,146 alleles (0.0092%); highest among the groups gnomAD compares: Admixed American, 0.24%; no homozygotes.

Submissions (5):

CeGaT Center for Human Genetics Tuebingen
Classification: Likely benign. Last evaluated: 2026-09-01. Review status: criteria provided, single submitter. Criteria: CeGaT Center For Human Genetics Tuebingen Variant Classification Criteria Version 2. Collection method: clinical testing. Allele origin: germline. Affected: yes. Observed: 2 variant alleles.
Comment: SPG11: BP4, BP7

Labcorp Genetics (formerly Invitae), Labcorp
Classification: Benign for Hereditary spastic paraplegia 11. Last evaluated: 2026-01-24. Review status: criteria provided, single submitter. Criteria: Invitae Variant Classification Sherloc (09022015). Collection method: clinical testing. Allele origin: germline.

Athena Diagnostics
Classification: Benign. Last evaluated: 2024-02-07. Review status: criteria provided, single submitter. Criteria: Athena Diagnostics Criteria. Collection method: clinical testing. Allele origin: unknown.

Ambry Genetics
Classification: Likely benign for Inborn genetic diseases. Last evaluated: 2019-07-11. Review status: criteria provided, single submitter. Criteria: Ambry Variant Classification Scheme 2023. Collection method: clinical testing. Allele origin: germline.

PreventionGenetics, part of Exact Sciences
Classification: Likely benign for SPG11-related condition. Last evaluated: 2024-01-05. Review status: no assertion criteria provided. Collection method: clinical testing. Allele origin: germline. Not counted in ClinVar's aggregate classification.
Comment: This variant is classified as likely benign based on ACMG/AMP sequence variant interpretation guidelines (Richards et al. 2015 PMID: 25741868, with internal and published modifications).

NM_025137.4(SPG11):c.5608T>C (p.Leu1870=)

Gene: SPG11 (SPG11 vesicle trafficking associated, spatacsin; minus strand). Cytogenetic location: 15q21.1.
Variant type: single nucleotide variant.
Coding change: c.5608T>C on transcript NM_025137.4 (MANE Select); coding-DNA position 5608, T replaced by C.
Protein change: p.Leu1870=; no amino-acid change (leucine 1870 retained).
Molecular consequence: synonymous variant.
Genome position (GRCh38, 1-based): chr15:44,584,072, A>G on the plus strand (T>C on the coding strand, the complement: SPG11 is on the minus strand). VCF-style: chr15-44584072-A-G. GRCh37 (hg19) VCF-style: chr15-44876270-A-G.
Other names: c.5608T>C, p.Leu1870= (NM_001160227.2).
Identifiers: ClinVar variation 466542 (VCV000466542.19), dbSNP rs4254299, ClinGen allele CA7534382.
Genomic context (GRCh38, chr15:44,584,072, plus strand): 5'-AGCCATCATCCAGTAGGCGCCCAATCAAAAAGTTTAGTGACTCCTGCTCTTTCCAATCCA[A>G]TCTATTCTCGCATGTCTCTTTGGATGGAAGGCTGTTAAGTTCTAAGTATTTTGATGTGTT-3'
Protein context (NP_079413.3, residues 1860-1880): LPSKETCENR[Leu1870=]DWKEQESLNF